The following is an entry in ClinVar:

ClinVar aggregate classification (germline): Uncertain significance. Review status: criteria provided, multiple submitters, no conflicts (2 of 4 stars). 2 submissions from 2 submitters: Uncertain significance (2). Last evaluated 2023-11-06.

Conditions:
Inborn genetic diseases. Identifiers: MedGen C0950123, MeSH D030342.

Allele frequency attached by ClinVar (database versions not stated): gnomAD exomes 0.00002; ExAC 0.00013; 1000 Genomes Project 0.00020; gnomAD 0.00021; TOPMed 0.00021; 1000 Genomes Project 30x 0.00031; ESP Exome Variant Server 0.00046.
gnomAD v4.1: 76 of 1,593,532 alleles (0.0048%); highest among the groups gnomAD compares: African/African-American, 0.075%; 1 homozygote.

Submissions (2):

Ambry Genetics
Classification: Uncertain significance for Inborn genetic diseases. Last evaluated: 2023-11-06. Review status: criteria provided, single submitter. Criteria: Ambry Variant Classification Scheme 2023. Collection method: clinical testing. Allele origin: germline.

GeneDx
Classification: Uncertain significance. Last evaluated: 2023-01-17. Review status: criteria provided, single submitter. Criteria: GeneDx Variant Classification Process June 2021. Collection method: clinical testing. Allele origin: germline. Affected: yes.
Comment: Has not been previously published as pathogenic or benign to our knowledge; In silico analysis supports that this missense variant does not alter protein structure/function

NM_021978.4(ST14):c.1433C>T (p.Thr478Ile)

Gene: ST14 (ST14 transmembrane serine protease matriptase; plus strand). Cytogenetic location: 11q24.3.
Variant type: single nucleotide variant.
Coding change: c.1433C>T on transcript NM_021978.4 (MANE Select); coding-DNA position 1433, C replaced by T.
Protein change: p.Thr478Ile; replaces threonine 478 with isoleucine.
Molecular consequence: missense variant.
Genome position (GRCh38, 1-based): chr11:130,197,919, C>T. VCF-style: chr11-130197919-C-T. GRCh37 (hg19) VCF-style: chr11-130067814-C-T.
Other names: short protein forms T478I.
Identifiers: ClinVar variation 2574771 (VCV002574771.2), dbSNP rs145182887, ClinGen allele CA6364057.
Genomic context (GRCh38, chr11:130,197,919, plus strand): 5'-CGTGCCGCACGGGGCGGTGTATCCGGAAGGAGCTGCGCTGTGATGGCTGGGCCGACTGCA[C>T]CGACCACAGCGATGAGCTCAACTGCAGTGAGTCAGGCTGGGAGCCCCGGTCTCCCCACCC-3'
Protein context (NP_068813.1, residues 468-488): ELRCDGWADC[Thr478Ile]DHSDELNCSC